The following is an entry in ClinVar:

ClinVar aggregate classification (germline): Uncertain significance (1 of 4 stars; one submission).

gnomAD v4.1: 1 of 1,597,792 alleles (0.000063%); highest among the groups gnomAD compares: Non-Finnish European, 0.000085%; no homozygotes.

Submission:

Labcorp Genetics (formerly Invitae), Labcorp
Classification: Uncertain significance. Last evaluated: 2025-10-10. Review status: criteria provided, single submitter. Criteria: Invitae Variant Classification Sherloc (09022015). Collection method: clinical testing. Allele origin: germline.
Comment: This sequence change replaces alanine, which is neutral and non-polar, with serine, which is neutral and polar, at codon 487 of the PCLO protein (p.Ala487Ser). This variant is not present in population databases (gnomAD no frequency). This variant has not been reported in the literature in individuals affected with PCLO-related conditions. An algorithm developed to predict the effect of missense changes on protein structure and function (PolyPhen-2) suggests that this variant is likely to be disruptive. In summary, the available evidence is currently insufficient to determine the role of this variant in disease. Therefore, it has been classified as a Variant of Uncertain Significance.

NM_033026.6(PCLO):c.1459G>T (p.Ala487Ser)

Gene: PCLO (piccolo presynaptic cytomatrix protein; minus strand). Cytogenetic location: 7q21.11.
Variant type: single nucleotide variant.
Coding change: c.1459G>T on transcript NM_033026.6 (MANE Select); coding-DNA position 1459, G replaced by T.
Protein change: p.Ala487Ser; replaces alanine 487 with serine.
Molecular consequence: missense variant.
Genome position (GRCh38, 1-based): chr7:83,155,182, C>A on the plus strand (G>T on the coding strand, the complement: PCLO is on the minus strand). VCF-style: chr7-83155182-C-A. GRCh37 (hg19) VCF-style: chr7-82784498-C-A.
Other names: c.1459G>T, p.Ala487Ser (NM_014510.3); short protein forms A487S.
Identifiers: ClinVar variation 4769712 (VCV004769712.1).